The following is an entry in ClinVar:

ClinVar aggregate classification (germline): Conflicting classifications of pathogenicity. Review status: criteria provided, conflicting classifications (1 of 4 stars). 2 submissions from 2 submitters: Uncertain significance (1); Likely benign (1). Last evaluated 2025-10-29.

Conditions:
Epidermolysis bullosa simplex with nail dystrophy (EBS5D). Identifiers: MedGen C4225309, MONDO:0014661, OMIM 616487.
Epidermolysis bullosa simplex, Ogna type (EBS5A). Also called: Pidermolysis bullosa simplex 5A, Ogna type; EPIDERMOLYSIS BULLOSA SIMPLEX 5A, OGNA TYPE. Identifiers: Orphanet 79401, MedGen C0432317, MONDO:0007555, OMIM 131950.
Autosomal recessive limb-girdle muscular dystrophy type 2Q (LGMDR17). Also called: MUSCULAR DYSTROPHY, LIMB-GIRDLE, AUTOSOMAL RECESSIVE 17. Identifiers: Orphanet 254361, MedGen C3150989, MONDO:0013390, OMIM 613723.
Epidermolysis bullosa simplex 5B, with muscular dystrophy (EBS5B). Also called: EPIDERMOLYSIS BULLOSA SIMPLEX AND LIMB-GIRDLE MUSCULAR DYSTROPHY; Epidermolysis bullosa simplex with muscular dystrophy. Identifiers: Orphanet 257, MedGen C2931072, MONDO:0009181, OMIM 226670.
Epidermolysis bullosa simplex 5C, with pyloric atresia (EBS5C). Also called: PLEC-Related Epidermolysis Bullosa with Pyloric Atresia; Epidermolysis bullosa simplex with pyloric atresia; PLEC1-Related Epidermolysis Bullosa with Pyloric Atresia. Identifiers: Orphanet 158684, MedGen C2677349, MONDO:0012807, OMIM 612138.

gnomAD v4.1: 2 of 1,540,300 alleles (0.00013%); highest among the groups gnomAD compares: Non-Finnish European, 0.00017%; no homozygotes.

Submissions (2):

Labcorp Genetics (formerly Invitae), Labcorp
Classification: Uncertain significance for Autosomal recessive limb-girdle muscular dystrophy type 2Q; Epidermolysis bullosa simplex, Ogna type; Epidermolysis bullosa simplex with nail dystrophy; Epidermolysis bullosa simplex 5C, with pyloric atresia; Epidermolysis bullosa simplex 5B, with muscular dystrophy. Last evaluated: 2025-10-29. Review status: criteria provided, single submitter. Criteria: Invitae Variant Classification Sherloc (09022015). Collection method: clinical testing. Allele origin: germline.
Comment: This sequence change replaces arginine, which is basic and polar, with glycine, which is neutral and non-polar, at codon 2583 of the PLEC protein (p.Arg2583Gly). This variant is not present in population databases (gnomAD no frequency). This variant has not been reported in the literature in individuals affected with PLEC-related conditions. ClinVar contains an entry for this variant (Variation ID: 2658947). Invitae Evidence Modeling of protein sequence and biophysical properties (such as structural, functional, and spatial information, amino acid conservation, physicochemical variation, residue mobility, and thermodynamic stability) indicates that this missense variant is not expected to disrupt PLEC protein function with a negative predictive value of 80%. In summary, the available evidence is currently insufficient to determine the role of this variant in disease. Therefore, it has been classified as a Variant of Uncertain Significance.

CeGaT Center for Human Genetics Tuebingen
Classification: Likely benign. Last evaluated: 2022-07-01. Review status: criteria provided, single submitter. Criteria: CeGaT Center For Human Genetics Tuebingen Variant Classification Criteria Version 2. Collection method: clinical testing. Allele origin: germline. Affected: yes. Observed: 1 variant allele.
Comment: PLEC: PM2, BP4, BS2

NM_201384.3(PLEC):c.7666C>G (p.Arg2556Gly)

Gene: PLEC (plectin; minus strand). Cytogenetic location: 8q24.3.
Variant type: single nucleotide variant.
Coding change: c.7666C>G on transcript NM_201384.3 (MANE Select); coding-DNA position 7666, C replaced by G.
Protein change: p.Arg2556Gly; replaces arginine 2556 with glycine.
Molecular consequence: missense variant.
Genome position (GRCh38, 1-based): chr8:143,922,155, G>C on the plus strand (C>G on the coding strand, the complement: PLEC is on the minus strand). VCF-style: chr8-143922155-G-C. GRCh37 (hg19) VCF-style: chr8-144996323-G-C.
Other names: c.7747C>G, p.Arg2583Gly (NM_000445.5); c.4366C>G, p.Arg1456Gly (NM_001410941.1); c.7624C>G, p.Arg2542Gly (NM_201378.4); c.7600C>G, p.Arg2534Gly (NM_201379.3); c.8077C>G, p.Arg2693Gly (NM_201380.4); c.7570C>G, p.Arg2524Gly (NM_201381.3); c.7666C>G, p.Arg2556Gly (NM_201382.4); c.7678C>G, p.Arg2560Gly (NM_201383.3); short protein forms R1456G, R2524G, R2534G, R2542G, R2556G, R2560G, R2583G, R2693G.
Identifiers: ClinVar variation 2658947 (VCV002658947.25), dbSNP rs781882121, ClinGen allele CA372523226.